The following is an entry in ClinVar:

NM_017763.6(RNF43):c.1513T>A (p.Phe505Ile)

Gene: RNF43 (ring finger protein 43; minus strand). Cytogenetic location: 17q22.
Variant type: single nucleotide variant.
Coding change: c.1513T>A on transcript NM_017763.6 (MANE Select); coding-DNA position 1513, T replaced by A.
Protein change: p.Phe505Ile; replaces phenylalanine 505 with isoleucine.
Molecular consequence: missense variant.
Genome position (GRCh38, 1-based): chr17:58,358,263, A>T on the plus strand (T>A on the coding strand, the complement: RNF43 is on the minus strand). VCF-style: chr17-58358263-A-T. GRCh37 (hg19) VCF-style: chr17-56435624-A-T.
Other names: c.1513T>A, p.Phe505Ile (NM_001305544.3, NM_001438820.1, NM_001438821.1 and 1 more transcripts); c.1132T>A, p.Phe378Ile (NM_001305545.2, NM_001437987.1); short protein forms F378I, F505I.
Identifiers: ClinVar variation 5038991 (VCV005038991.1).

ClinVar aggregate classification (germline): Uncertain significance (1 of 4 stars; one submission).

Submission:

CeGaT Center for Human Genetics Tuebingen
Classification: Uncertain significance. Last evaluated: 2026-07-01. Review status: criteria provided, single submitter. Criteria: CeGaT Center For Human Genetics Tuebingen Variant Classification Criteria Version 2. Collection method: clinical testing. Allele origin: germline. Affected: yes. Observed: 1 variant allele.
Comment: RNF43: PM2, BP4